The following is an entry in ClinVar:

ClinVar aggregate classification (germline): Uncertain significance. Review status: criteria provided, multiple submitters, no conflicts (2 of 4 stars). 2 submissions from 2 submitters: Uncertain significance (2). Last evaluated 2025-09-04.

Conditions:
Inborn genetic diseases. Identifiers: MedGen C0950123, MeSH D030342.

Allele frequency attached by ClinVar (database versions not stated): gnomAD 0.00001; gnomAD exomes 0.00001; ExAC 0.00002; TOPMed 0.00002.
gnomAD v4.1: 22 of 1,611,846 alleles (0.0014%); highest among the groups gnomAD compares: South Asian, 0.0022%; no homozygotes.

Submissions (2):

Ambry Genetics
Classification: Uncertain significance for Inborn genetic diseases. Last evaluated: 2025-09-04. Review status: criteria provided, single submitter. Criteria: Ambry Variant Classification Scheme 2023. Collection method: clinical testing. Allele origin: germline.

Labcorp Genetics (formerly Invitae), Labcorp
Classification: Uncertain significance. Last evaluated: 2023-07-02. Review status: criteria provided, single submitter. Criteria: Invitae Variant Classification Sherloc (09022015). Collection method: clinical testing. Allele origin: germline.
Comment: In summary, the available evidence is currently insufficient to determine the role of this variant in disease. Therefore, it has been classified as a Variant of Uncertain Significance. An algorithm developed to predict the effect of missense changes on protein structure and function (PolyPhen-2) suggests that this variant is likely to be disruptive. ClinVar contains an entry for this variant (Variation ID: 2470997). This variant has not been reported in the literature in individuals affected with CAMTA1-related conditions. This variant is present in population databases (rs765858953, gnomAD 0.01%). This sequence change replaces tyrosine, which is neutral and polar, with cysteine, which is neutral and slightly polar, at codon 1585 of the CAMTA1 protein (p.Tyr1585Cys).

NM_015215.4(CAMTA1):c.4754A>G (p.Tyr1585Cys)

Gene: CAMTA1 (calmodulin binding transcription activator 1; plus strand). Cytogenetic location: 1p36.23.
Variant type: single nucleotide variant.
Coding change: c.4754A>G on transcript NM_015215.4 (MANE Select); coding-DNA position 4754, A replaced by G.
Protein change: p.Tyr1585Cys; replaces tyrosine 1585 with cysteine.
Molecular consequence: missense variant.
Genome position (GRCh38, 1-based): chr1:7,751,263, A>G. VCF-style: chr1-7751263-A-G. GRCh37 (hg19) VCF-style: chr1-7811323-A-G.
Other names: c.1826A>G, p.Tyr609Cys (NM_001349618.2, NM_001349617.1); c.1508A>G, p.Tyr503Cys (NM_001349619.2, NM_001349620.1, NM_001349621.1 and 1 more transcripts); c.1487A>G, p.Tyr496Cys (NM_001349623.1, NM_001349624.3, NM_001349625.2 and 1 more transcripts); c.4415A>G, p.Tyr1472Cys (NM_001410737.1); c.4343A>G, p.Tyr1448Cys (NM_001410738.1); c.4664A>G, p.Tyr1555Cys (NM_001349608.2); c.4436A>G, p.Tyr1479Cys (NM_001349609.2, NM_001349610.2); c.4346A>G, p.Tyr1449Cys (NM_001349612.2); and 2 more; short protein forms Y1585C, Y616C, Y1448C, Y1555C, Y628C, Y1449C, Y1472C, Y496C.
Identifiers: ClinVar variation 2470997 (VCV002470997.6), dbSNP rs765858953, ClinGen allele CA567249.
Genomic context (GRCh38, chr1:7,751,263, plus strand): 5'-CACTTTATAAAAAGATGACACAGGCTGCCATCCTTATCCAGAGCAAATTCCGAAGTTACT[A>G]TGAACAAAAAAAATTCCAGCAGAGCCGACGGGCTGCTGTGCTCATCCAAAAGTACTACCG-3'
Protein context (NP_056030.1, residues 1575-1595): ILIQSKFRSY[Tyr1585Cys]EQKKFQQSRR